The following is an entry in ClinVar:

NM_001354930.2(RIPK1):c.1174G>A (p.Asp392Asn)

Gene: RIPK1 (receptor interacting serine/threonine kinase 1; plus strand). Cytogenetic location: 6p25.2.
Variant type: single nucleotide variant.
Coding change: c.1174G>A on transcript NM_001354930.2 (MANE Select); coding-DNA position 1174, G replaced by A.
Protein change: p.Asp392Asn; replaces aspartic acid 392 with asparagine.
Molecular consequence: missense variant.
Genome position (GRCh38, 1-based): chr6:3,105,649, G>A. VCF-style: chr6-3105649-G-A. GRCh37 (hg19) VCF-style: chr6-3105883-G-A.
Other names: c.685G>A, p.Asp229Asn (NM_001317061.3, NM_001354932.2, NM_001354933.2 and 1 more transcripts); c.1036G>A, p.Asp346Asn (NM_001354931.2); c.1174G>A, p.Asp392Asn (NM_003804.6); short protein forms D392N, D229N, D346N.
Identifiers: ClinVar variation 1401715 (VCV001401715.6), dbSNP rs2113694696, ClinGen allele CA362571688.

ClinVar aggregate classification (germline): Uncertain significance (1 of 4 stars; one submission).

Submission:

Labcorp Genetics (formerly Invitae), Labcorp
Classification: Uncertain significance. Last evaluated: 2021-01-02. Review status: criteria provided, single submitter. Criteria: Invitae Variant Classification Sherloc (09022015). Collection method: clinical testing. Allele origin: germline.
Comment: This sequence change replaces aspartic acid with asparagine at codon 392 of the RIPK1 protein (p.Asp392Asn). The aspartic acid residue is moderately conserved and there is a small physicochemical difference between aspartic acid and asparagine. This variant is not present in population databases (ExAC no frequency). This variant has not been reported in the literature in individuals with RIPK1-related conditions. Algorithms developed to predict the effect of missense changes on protein structure and function are either unavailable or do not agree on the potential impact of this missense change (SIFT: "Not Available"; PolyPhen-2: "Probably Damaging"; Align-GVGD: "Not Available"). In summary, the available evidence is currently insufficient to determine the role of this variant in disease. Therefore, it has been classified as a Variant of Uncertain Significance.